The following is an entry in ClinVar:

ClinVar aggregate classification (germline): Likely benign. Review status: criteria provided, multiple submitters, no conflicts (2 of 4 stars). 3 submissions from 3 submitters: Likely benign (3). Last evaluated 2025-12-19.

Allele frequency attached by ClinVar (database versions not stated): gnomAD 0.00024 and 0.00027; 1000 Genomes Project 0.00040; 1000 Genomes Project 30x 0.00047.
gnomAD v4.1: 100 of 1,613,452 alleles (0.0062%); highest among the groups gnomAD compares: African/African-American, 0.069%; no homozygotes.

Submissions (3):

Labcorp Genetics (formerly Invitae), Labcorp
Classification: Likely benign. Last evaluated: 2025-12-19. Review status: criteria provided, single submitter. Criteria: Invitae Variant Classification Sherloc (09022015). Collection method: clinical testing. Allele origin: germline.

Mayo Clinic Laboratories, Mayo Clinic
Classification: Likely benign. Last evaluated: 2025-06-23. Review status: criteria provided, single submitter. Criteria: ACMG Guidelines, 2015. Collection method: clinical testing. Allele origin: germline. Observed: 1 variant allele.
Comment: BS2, BP1, BP4

Breakthrough Genomics
Classification: Likely benign. Review status: criteria provided, single submitter. Criteria: ACMG Guidelines, 2015. Collection method: not provided. Allele origin: germline. Inheritance: Autosomal dominant inheritance. Affected: yes.

NM_000435.3(NOTCH3):c.1619C>T (p.Thr540Met)

Gene: NOTCH3 (notch receptor 3; minus strand). Cytogenetic location: 19p13.12.
Variant type: single nucleotide variant.
Coding change: c.1619C>T on transcript NM_000435.3 (MANE Select); coding-DNA position 1619, C replaced by T.
Protein change: p.Thr540Met; replaces threonine 540 with methionine.
Molecular consequence: missense variant.
Genome position (GRCh38, 1-based): chr19:15,187,326, G>A on the plus strand (C>T on the coding strand, the complement: NOTCH3 is on the minus strand). VCF-style: chr19-15187326-G-A. GRCh37 (hg19) VCF-style: chr19-15298137-G-A.
Other names: p.Thr540Met; short protein forms T540M.
Identifiers: ClinVar variation 1561194 (VCV001561194.10), dbSNP rs200317373, ClinGen allele CA9263598.